The following is an entry in ClinVar:

ClinVar aggregate classification (germline): Uncertain significance (1 of 4 stars; one submission).

Allele frequency attached by ClinVar (database versions not stated): gnomAD exomes below 0.00001; gnomAD 0.00001.
gnomAD v4.1: 2 of 1,613,704 alleles (0.00012%); highest among the groups gnomAD compares: East Asian, 0.0045%; no homozygotes.

Submission:

Labcorp Genetics (formerly Invitae), Labcorp
Classification: Uncertain significance. Last evaluated: 2023-05-15. Review status: criteria provided, single submitter. Criteria: Invitae Variant Classification Sherloc (09022015). Collection method: clinical testing. Allele origin: germline.
Comment: This sequence change falls in intron 26 of the SPEG gene. It does not directly change the encoded amino acid sequence of the SPEG protein. This variant is not present in population databases (gnomAD no frequency). This variant has not been reported in the literature in individuals affected with SPEG-related conditions. ClinVar contains an entry for this variant (Variation ID: 2099198). Algorithms developed to predict the effect of sequence changes on RNA splicing suggest that this variant may create or strengthen a splice site. In summary, the available evidence is currently insufficient to determine the role of this variant in disease. Therefore, it has been classified as a Variant of Uncertain Significance.

NM_005876.5(SPEG):c.5370-7C>T

Gene: SPEG (striated muscle enriched protein kinase; plus strand). Cytogenetic location: 2q35.
Variant type: single nucleotide variant.
Coding change: c.5370-7C>T on transcript NM_005876.5 (MANE Select); 7 bases into the intron before coding-DNA position 5370, C replaced by T.
Molecular consequence: intron variant.
Genome position (GRCh38, 1-based): chr2:219,481,297, C>T. VCF-style: chr2-219481297-C-T. GRCh37 (hg19) VCF-style: chr2-220346019-C-T.
Identifiers: ClinVar variation 2099198 (VCV002099198.4), dbSNP rs2125539319, ClinGen allele CA2580065774.